The following is an entry in ClinVar:

ClinVar aggregate classification (germline): Uncertain significance (1 of 4 stars; one submission).

Conditions:
Bethlem myopathy 1A. Also called: Bethlem Muscular Dystrophy; MYOPATHY, BENIGN CONGENITAL, WITH CONTRACTURES; Bethlem myopathy 1. Identifiers: Orphanet 610, MedGen CN029274, MONDO:0024530, OMIM 158810.

Allele frequency attached by ClinVar (database versions not stated): gnomAD exomes below 0.00001 and 0.00001; ExAC 0.00001.
gnomAD v4.1: 4 of 1,612,150 alleles (0.00025%); highest among the groups gnomAD compares: Non-Finnish European, 0.00034%; no homozygotes.

Submission:

Labcorp Genetics (formerly Invitae), Labcorp
Classification: Uncertain significance for Bethlem myopathy 1A. Last evaluated: 2024-02-12. Review status: criteria provided, single submitter. Criteria: Invitae Variant Classification Sherloc (09022015). Collection method: clinical testing. Allele origin: germline.
Comment: This sequence change replaces asparagine, which is neutral and polar, with lysine, which is basic and polar, at codon 460 of the COL6A3 protein (p.Asn460Lys). This variant is present in population databases (rs779588195, gnomAD 0.0009%). This variant has not been reported in the literature in individuals affected with COL6A3-related conditions. ClinVar contains an entry for this variant (Variation ID: 1040729). Advanced modeling of protein sequence and biophysical properties (such as structural, functional, and spatial information, amino acid conservation, physicochemical variation, residue mobility, and thermodynamic stability) performed at Invitae indicates that this missense variant is not expected to disrupt COL6A3 protein function with a negative predictive value of 95%. In summary, the available evidence is currently insufficient to determine the role of this variant in disease. Therefore, it has been classified as a Variant of Uncertain Significance.

NM_004369.4(COL6A3):c.1380C>G (p.Asn460Lys)

Gene: COL6A3 (collagen type VI alpha 3 chain; minus strand). Cytogenetic location: 2q37.3.
Variant type: single nucleotide variant.
Coding change: c.1380C>G on transcript NM_004369.4 (MANE Select); coding-DNA position 1380, C replaced by G.
Protein change: p.Asn460Lys; replaces asparagine 460 with lysine.
Molecular consequence: missense variant.
Genome position (GRCh38, 1-based): chr2:237,381,432, G>C on the plus strand (C>G on the coding strand, the complement: COL6A3 is on the minus strand). VCF-style: chr2-237381432-G-C. GRCh37 (hg19) VCF-style: chr2-238290075-G-C.
Other names: c.159C>G, p.Asn53Lys (NM_057164.5, NM_057166.5); c.762C>G, p.Asn254Lys (NM_057165.5, NM_057167.4); short protein forms N254K, N53K, N460K.
Identifiers: ClinVar variation 1040729 (VCV001040729.11), dbSNP rs779588195, ClinGen allele CA2189631.